The following is an entry in ClinVar:

ClinVar aggregate classification (germline): Uncertain significance (1 of 4 stars; one submission).

Conditions:
Dystonia 12 (DYT12). Also called: DYT-ATP1A3; Rapid-Onset Dystonia-Parkinsonism (RDP). Identifiers: Orphanet 71517, MedGen C1868681, MONDO:0007496, OMIM 128235.

Submission:

Labcorp Genetics (formerly Invitae), Labcorp
Classification: Uncertain significance for Dystonia 12. Last evaluated: 2022-11-08. Review status: criteria provided, single submitter. Criteria: Invitae Variant Classification Sherloc (09022015). Collection method: clinical testing. Allele origin: germline.
Comment: In summary, the available evidence is currently insufficient to determine the role of this variant in disease. Therefore, it has been classified as a Variant of Uncertain Significance. Advanced modeling of protein sequence and biophysical properties (such as structural, functional, and spatial information, amino acid conservation, physicochemical variation, residue mobility, and thermodynamic stability) performed at Invitae indicates that this missense variant is expected to disrupt ATP1A3 protein function. This variant has not been reported in the literature in individuals affected with ATP1A3-related conditions. This variant is not present in population databases (gnomAD no frequency). This sequence change replaces valine, which is neutral and non-polar, with alanine, which is neutral and non-polar, at codon 679 of the ATP1A3 protein (p.Val679Ala).

NM_152296.5(ATP1A3):c.2036T>C (p.Val679Ala)

Gene: ATP1A3 (ATPase Na+/K+ transporting subunit alpha 3; minus strand). Cytogenetic location: 19q13.2.
Variant type: single nucleotide variant.
Coding change: c.2036T>C on transcript NM_152296.5 (MANE Select); coding-DNA position 2036, T replaced by C.
Protein change: p.Val679Ala; replaces valine 679 with alanine.
Molecular consequence: missense variant.
Genome position (GRCh38, 1-based): chr19:41,976,474, A>G on the plus strand (T>C on the coding strand, the complement: ATP1A3 is on the minus strand). VCF-style: chr19-41976474-A-G. GRCh37 (hg19) VCF-style: chr19-42480626-A-G.
Other names: c.2069T>C, p.Val690Ala (NM_001256213.2); c.2075T>C, p.Val692Ala (NM_001256214.2); short protein forms V679A, V692A, V690A.
Identifiers: ClinVar variation 2812863 (VCV002812863.3), dbSNP rs2514050419, ClinGen allele CA406042920.